The following is an entry in ClinVar:

NC_000012.12:g.132473140T>C

Gene: MUC8 (mucin 8; minus strand). Cytogenetic location: 12q24.33.
Variant type: single nucleotide variant.
Genome position: GRCh38 VCF-style: chr12-132473140-T-C. GRCh37 (hg19) VCF-style: chr12-133049726-T-C.
Identifiers: ClinVar variation 5039206 (VCV005039206.1).
Genomic context (GRCh38, chr12:132,473,140, plus strand): 5'-GCTCGTGAACCCGGTGTCCCCTCCTGGAGAGCGCGTGGGCAGTTCGTGGACCCGGGTCCC[T>C]TCCTGGAGAGGACGTGGGCAGCTCGTGGACCCGGGTCCCTTCCTGGAGACGACGTGGGCA-3'

ClinVar aggregate classification (germline): Likely benign (1 of 4 stars; one submission).

Submission:

CeGaT Center for Human Genetics Tuebingen
Classification: Likely benign. Last evaluated: 2026-08-01. Review status: criteria provided, single submitter. Criteria: CeGaT Center For Human Genetics Tuebingen Variant Classification Criteria Version 2. Collection method: clinical testing. Allele origin: germline. Affected: yes. Observed: 1 variant allele.
Comment: MUC8: BP4, BP7